The following is an entry in ClinVar:

NM_000384.3(APOB):c.9287A>G (p.Tyr3096Cys)

Gene: APOB (apolipoprotein B; minus strand). Cytogenetic location: 2p24.1.
Variant type: single nucleotide variant.
Coding change: c.9287A>G on transcript NM_000384.3 (MANE Select); coding-DNA position 9287, A replaced by G.
Protein change: p.Tyr3096Cys; replaces tyrosine 3096 with cysteine.
Molecular consequence: missense variant.
Genome position (GRCh38, 1-based): chr2:21,007,581, T>C on the plus strand (A>G on the coding strand, the complement: APOB is on the minus strand). VCF-style: chr2-21007581-T-C. GRCh37 (hg19) VCF-style: chr2-21230453-T-C.
Other names: short protein forms Y3096C.
Identifiers: ClinVar variation 2521972 (VCV002521972.5), dbSNP rs1267070362, ClinGen allele CA345990636.

ClinVar aggregate classification (germline): Uncertain significance. Review status: criteria provided, multiple submitters, no conflicts (2 of 4 stars). 3 submissions from 3 submitters: Uncertain significance (3). Last evaluated 2025-04-15.

Conditions:
Familial hypobetalipoproteinemia 1. Also called: APOB-Related Familial Hypobetalipoproteinemia; Hypobetalipoproteinemia, normotriglyceridemic; Acanthocytosis with hypobetalipoproteinemia. Identifiers: MedGen C4551990, MONDO:0014252, OMIM 615558.
Hypercholesterolemia, autosomal dominant, type B (FHCL2). Also called: APOLIPOPROTEIN B-100, FAMILIAL DEFECTIVE; APOLIPOPROTEIN B-100, FAMILIAL LIGAND-DEFECTIVE; HYPERCHOLESTEROLEMIA, FAMILIAL, DUE TO LIGAND-DEFECTIVE APOLIPOPROTEIN B; Familial Hypercholesterolemia Type B; APOB-Related Familial Hypercholesterolemia, Autosomal Dominant; Hyperlipoproteinemia Type IIb. Identifiers: MedGen C1704417, MONDO:0007751, OMIM 144010.
Cardiovascular phenotype. Identifiers: MedGen CN230736.

Allele frequency attached by ClinVar (database versions not stated): gnomAD 0.00001; gnomAD exomes 0.00001; TOPMed 0.00003.
gnomAD v4.1: 16 of 1,613,996 alleles (0.00099%); highest among the groups gnomAD compares: Non-Finnish European, 0.0014%; no homozygotes.

Submissions (3):

Quest Diagnostics Nichols Institute San Juan Capistrano
Classification: Uncertain significance. Last evaluated: 2025-04-15. Review status: criteria provided, single submitter. Criteria: Quest Diagnostics criteria. Collection method: clinical testing. Allele origin: unknown.
Comment: The APOB c.9287A>G (p.Tyr3096Cys) variant has not been reported in individuals with APOB-related conditions in the published literature. The frequency of this variant in the general population (Genome Aggregation Database) is uninformative in the assessment of its pathogenicity. Analysis of this variant using bioinformatics tools for the prediction of the effect of amino acid changes on protein structure and function yielded predictions that this variant is damaging. Based on the available information, we are unable to determine the clinical significance of this variant.

Labcorp Genetics (formerly Invitae), Labcorp
Classification: Uncertain significance for Familial hypobetalipoproteinemia 1; Hypercholesterolemia, autosomal dominant, type B. Last evaluated: 2024-10-24. Review status: criteria provided, single submitter. Criteria: Invitae Variant Classification Sherloc (09022015). Collection method: clinical testing. Allele origin: germline.
Comment: This sequence change replaces tyrosine, which is neutral and polar, with cysteine, which is neutral and slightly polar, at codon 3096 of the APOB protein (p.Tyr3096Cys). This variant is present in population databases (no rsID available, gnomAD 0.002%). This variant has not been reported in the literature in individuals affected with APOB-related conditions. ClinVar contains an entry for this variant (Variation ID: 2521972). Invitae Evidence Modeling of protein sequence and biophysical properties (such as structural, functional, and spatial information, amino acid conservation, physicochemical variation, residue mobility, and thermodynamic stability) indicates that this missense variant is not expected to disrupt APOB protein function with a negative predictive value of 95%. In summary, the available evidence is currently insufficient to determine the role of this variant in disease. Therefore, it has been classified as a Variant of Uncertain Significance.

Ambry Genetics
Classification: Uncertain significance for Cardiovascular phenotype. Last evaluated: 2023-04-12. Review status: criteria provided, single submitter. Criteria: Ambry Variant Classification Scheme 2023. Collection method: clinical testing. Allele origin: germline.

Literature cited by the submitters: PubMed 33057194 (cited by Quest Diagnostics Nichols Institute San Juan Capistrano); PubMed 35982159 (cited by Quest Diagnostics Nichols Institute San Juan Capistrano).